The following is an entry in ClinVar:

ClinVar aggregate classification (germline): Likely benign (0 of 4 stars; one submission).

Conditions:
KCNAB2-related disorder. Also called: KCNAB2-related condition.

Allele frequency attached by ClinVar (database versions not stated): ExAC 0.00063; gnomAD 0.00198; 1000 Genomes Project 0.00240; TOPMed 0.00254; 1000 Genomes Project 30x 0.00281.
gnomAD v4.1: 647 of 1,529,680 alleles (0.042%); highest among the groups gnomAD compares: African/African-American, 0.7%; 6 homozygotes.

Submission:

PreventionGenetics, part of Exact Sciences
Classification: Likely benign for KCNAB2-related condition. Last evaluated: 2020-06-08. Review status: no assertion criteria provided. Collection method: clinical testing. Allele origin: germline.
Comment: This variant is classified as likely benign based on ACMG/AMP sequence variant interpretation guidelines (Richards et al. 2015 PMID: 25741868, with internal and published modifications).

NM_001199862.2(KCNAB2):c.14C>T (p.Thr5Met)

Gene: KCNAB2 (potassium voltage-gated channel subfamily A regulatory beta subunit 2; plus strand). Cytogenetic location: 1p36.31.
Variant type: single nucleotide variant.
Coding change: c.14C>T on transcript NM_001199862.2 (MANE Select); coding-DNA position 14, C replaced by T.
Protein change: p.Thr5Met; replaces threonine 5 with methionine.
Molecular consequence: missense variant. On other transcripts: intron variant (5).
Genome position (GRCh38, 1-based): chr1:6,051,550, C>T. VCF-style: chr1-6051550-C-T. GRCh37 (hg19) VCF-style: chr1-6111610-C-T.
Other names: c.119+9678C>T (NM_001199861.2, NM_003636.4, NM_001199860.2); c.77+10905C>T (NM_172130.3); c.-83+5367C>T (NM_001199863.2); short protein forms T5M.
Identifiers: ClinVar variation 3034668 (VCV003034668.2), dbSNP rs147130504, ClinGen allele CA555065.